The following is an entry in ClinVar:

ClinVar aggregate classification (germline): Uncertain significance (1 of 4 stars; one submission).

Conditions:
Hereditary cancer-predisposing syndrome. Also called: Neoplastic Syndromes, Hereditary; Tumor predisposition; Hereditary neoplastic syndrome; Hereditary Cancer Syndrome. Identifiers: Orphanet 140162, MedGen C0027672, MeSH D009386, MONDO:0015356.

Submission:

Ambry Genetics
Classification: Uncertain significance for Hereditary cancer-predisposing syndrome. Last evaluated: 2026-07-07. Review status: criteria provided, single submitter. Criteria: Ambry Variant Classification Scheme 2023. Collection method: clinical testing. Allele origin: germline.
Comment: The p.S925T variant (also known as c.2774G>C), located in coding exon 15 of the APC gene, results from a G to C substitution at nucleotide position 2774. The serine at codon 925 is replaced by threonine, an amino acid with similar properties. This amino acid position is conserved. In addition, in silico predictors for this gene do not accurately predict pathogenicity. Based on the available evidence, the clinical significance of this variant remains unclear.

NM_000038.6(APC):c.2774G>C (p.Ser925Thr)

Gene: APC (APC regulator of Wnt signaling pathway; plus strand). Cytogenetic location: 5q22.2.
Variant type: single nucleotide variant.
Coding change: c.2774G>C on transcript NM_000038.6 (MANE Select); coding-DNA position 2774, G replaced by C.
Protein change: p.Ser925Thr; replaces serine 925 with threonine.
Molecular consequence: missense variant. On other transcripts: non-coding transcript variant (2).
Genome position (GRCh38, 1-based): chr5:112,838,368, G>C. VCF-style: chr5-112838368-G-C. GRCh37 (hg19) VCF-style: chr5-112174065-G-C.
Other names: c.2525G>C, p.Ser842Thr (NM_001407455.1, NM_001407456.1, NM_001407457.1 and 1 more transcripts); c.2471G>C, p.Ser824Thr (NM_001407458.1, NM_001407459.1, NM_001407460.1 and 1 more transcripts); c.2387G>C, p.Ser796Thr (NM_001407467.1, NM_001407469.1); c.1925G>C, p.Ser642Thr (NM_001407470.1, NM_001354906.2); c.1622G>C, p.Ser541Thr (NM_001407471.1, NM_001407472.1); c.2774G>C, p.Ser925Thr (NM_001127510.3, NM_001354895.2, NM_001407450.1); c.2720G>C, p.Ser907Thr (NM_001127511.3); c.2828G>C, p.Ser943Thr (NM_001354896.2, NM_001407447.1, NM_001407448.1 and 1 more transcripts); and 11 more; short protein forms S796T, S799T, S915T, S925T, S943T, S900T, S935T, S953T.
Identifiers: ClinVar variation 5025229 (VCV005025229.1).